The following is an entry in ClinVar:

ClinVar aggregate classification (germline): Uncertain significance (1 of 4 stars; one submission).

Submission:

Ambry Genetics
Classification: Uncertain significance. Last evaluated: 2021-05-25. Review status: criteria provided, single submitter. Criteria: Ambry Variant Classification Scheme 2023. Collection method: clinical testing. Allele origin: germline.
Comment: The p.A195G variant (also known as c.584C>G), located in coding exon 5 of the RECQL gene, results from a C to G substitution at nucleotide position 584. The alanine at codon 195 is replaced by glycine, an amino acid with similar properties. This amino acid position is highly conserved in available vertebrate species. In addition, the in silico prediction for this alteration is inconclusive. Since supporting evidence is limited at this time, the clinical significance of this alteration remains unclear.

NM_002907.4(RECQL):c.584C>G (p.Ala195Gly)

Gene: RECQL (RecQ like helicase; minus strand). Cytogenetic location: 12p12.1.
Variant type: single nucleotide variant.
Coding change: c.584C>G on transcript NM_002907.4 (MANE Select); coding-DNA position 584, C replaced by G.
Protein change: p.Ala195Gly; replaces alanine 195 with glycine.
Molecular consequence: missense variant.
Genome position (GRCh38, 1-based): chr12:21,483,492, G>C on the plus strand (C>G on the coding strand, the complement: RECQL is on the minus strand). VCF-style: chr12-21483492-G-C. GRCh37 (hg19) VCF-style: chr12-21636426-G-C.
Other names: c.584C>G, p.Ala195Gly (NM_032941.3); short protein forms A195G.
Identifiers: ClinVar variation 1750062 (VCV001750062.2), dbSNP rs1591981550, ClinGen allele CA384127392.